The following is an entry in ClinVar:

NM_005845.5(ABCC4):c.3768T>C (p.Asp1256=)

Gene: ABCC4 (ATP binding cassette subfamily C member 4 (PEL blood group); minus strand). Cytogenetic location: 13q32.1.
Variant type: single nucleotide variant.
Coding change: c.3768T>C on transcript NM_005845.5 (MANE Select); coding-DNA position 3768, T replaced by C.
Protein change: p.Asp1256=; no amino-acid change (aspartic acid 1256 retained).
Molecular consequence: synonymous variant.
Genome position (GRCh38, 1-based): chr13:95,034,707, A>G on the plus strand (T>C on the coding strand, the complement: ABCC4 is on the minus strand). VCF-style: chr13-95034707-A-G. GRCh37 (hg19) VCF-style: chr13-95686961-A-G.
Other names: p.Asp1256=; c.3627T>C, p.Asp1209= (NM_001301829.2).
Identifiers: ClinVar variation 4683805 (VCV004683805.1).

ClinVar aggregate classification (germline): Likely benign (1 of 4 stars; one submission).

gnomAD v4.1: 829 of 1,614,122 alleles (0.051%); highest among the groups gnomAD compares: Admixed American, 0.08%; no homozygotes.

Submission:

Mayo Clinic Laboratories, Mayo Clinic
Classification: Likely benign. Last evaluated: 2023-10-09. Review status: criteria provided, single submitter. Criteria: ACMG Guidelines, 2015. Collection method: clinical testing. Allele origin: germline. Observed: 1 variant allele.
Comment: BP4, BP7